The following is an entry in ClinVar:

NM_000138.5(FBN1):c.6817A>G (p.Met2273Val)

Gene: FBN1 (fibrillin 1; minus strand). Cytogenetic location: 15q21.1.
Variant type: single nucleotide variant.
Coding change: c.6817A>G on transcript NM_000138.5 (MANE Select); coding-DNA position 6817, A replaced by G.
Protein change: p.Met2273Val; replaces methionine 2273 with valine.
Molecular consequence: missense variant.
Genome position (GRCh38, 1-based): chr15:48,430,725, T>C on the plus strand (A>G on the coding strand, the complement: FBN1 is on the minus strand). VCF-style: chr15-48430725-T-C. GRCh37 (hg19) VCF-style: chr15-48722922-T-C.
Other names: c.6817A>G, p.Met2273Val (NM_001406716.1); short protein forms M2273V.
Identifiers: ClinVar variation 2925535 (VCV002925535.4), dbSNP rs1186249894, ClinGen allele CA392332288.
Genomic context (GRCh38, chr15:48,430,725, plus strand): 5'-TCTTACCTACACAGCCTTCTCCATCAGGTCTCCGCTGATACCCGGGTCCACAGATGCACA[T>C]ATATGTGCCAATGAGGTTCTTGCATTCCATTTGTTTTTCAGTACAGTCATGTTTTCCCTC-3'
Protein context (NP_000129.3, residues 2263-2283): MECKNLIGTY[Met2273Val]CICGPGYQRR

ClinVar aggregate classification (germline): Conflicting classifications of pathogenicity. Review status: criteria provided, conflicting classifications (1 of 4 stars). 2 submissions from 2 submitters: Uncertain significance (1); Likely benign (1). Last evaluated 2025-04-16.

Conditions:
Marfan syndrome (MFS). Also called: MARFAN SYNDROME, TYPE I; Marfan syndrome type 1; Marfan's syndrome; Marfan syndrome, classic; FBN1-Related Marfan Syndrome. Identifiers: Orphanet 284963, Orphanet 558, MedGen C0024796, MONDO:0007947, OMIM 154700.
Familial thoracic aortic aneurysm and aortic dissection (TAAD). Also called: Thoracic aortic aneurysms and dissections. Identifiers: Orphanet 91387, MedGen C4707243, MONDO:0019625.

Allele frequency attached by ClinVar (database versions not stated): gnomAD 0.00001.
gnomAD v4.1: 1 of 1,613,802 alleles (0.000062%); highest among the groups gnomAD compares: East Asian, 0.0022%; no homozygotes.

Submissions (2):

ARUP Laboratories, Molecular Genetics and Genomics, ARUP Laboratories
Classification: Uncertain significance. Last evaluated: 2025-04-16. Review status: criteria provided, single submitter. Criteria: ARUP Molecular Germline Variant Investigation Process 2024. Collection method: clinical testing. Allele origin: germline.
Comment: The FBN1 c.6817A>G; p.Met2273Val variant (rs1186249894, to our knowledge, is not reported in the medical literature but is reported in ClinVar (Variation ID: 2925535). This variant is only observed on one allele in the Genome Aggregation Database (v2.1.1), indicating it is not a common polymorphism. Computational analyses predict that this variant is neutral (REVEL: 0.309). Due to limited information, the clinical significance of this variant is uncertain at this time.

Labcorp Genetics (formerly Invitae), Labcorp
Classification: Likely benign for Marfan syndrome; Familial thoracic aortic aneurysm and aortic dissection. Last evaluated: 2023-12-22. Review status: criteria provided, single submitter. Criteria: Invitae Variant Classification Sherloc (09022015). Collection method: clinical testing. Allele origin: germline.